The following is an entry in ClinVar:

ClinVar aggregate classification (germline): Pathogenic. Review status: reviewed by expert panel (3 of 4 stars). 16 submissions from 16 submitters: Pathogenic (1). 15 of the submissions do not count toward it. Last evaluated 2016-09-08.

Conditions:
BRCA2-related disorder. Also called: BRCA2-related condition; BRCA2-related disorders. Identifiers: MedGen CN239275.
Hereditary cancer-predisposing syndrome. Also called: Hereditary Cancer Syndrome; Neoplastic Syndromes, Hereditary; Hereditary neoplastic syndrome; Tumor predisposition. Identifiers: Orphanet 140162, MedGen C0027672, MeSH D009386, MONDO:0015356.
Breast-ovarian cancer, familial, susceptibility to, 2 (BROVCA2). Also called: BRCA2 Hereditary Breast and Ovarian Cancer. Identifiers: Orphanet 145, MedGen C2675520, MONDO:0012933, OMIM 612555. Disease mechanism: loss of function.
Fanconi anemia complementation group D1. Also called: BRCA2-Related Fanconi Anemia. Identifiers: Orphanet 319462, MedGen C1838457, MONDO:0011584, OMIM 605724.
Medulloblastoma (MDB). Also called: MEDULLOBLASTOMA PREDISPOSITION SYNDROME; Medulloblastoma, somatic. Identifiers: Orphanet 616, MedGen C0025149, MeSH D008527, MONDO:0007959, OMIM 155255, HP:0002885.
Pancreatic cancer, susceptibility to, 2. Identifiers: Orphanet 1333, MedGen C3150546, MONDO:0013235, OMIM 613347.
Glioma susceptibility 3 (GLM3). Also called: Glioblastoma 3. Identifiers: Orphanet 182067, Orphanet 360, MedGen C2751641, MONDO:0013093, OMIM 613029.
Wilms tumor 1 (WT1). Also called: Wilms tumor, somatic. Identifiers: Orphanet 654, MedGen CN033288, MONDO:0008679, OMIM 194070.
Familial cancer of breast. Also called: hereditary breast carcinoma; BREAST CANCER, FAMILIAL; Hereditary breast cancer. Identifiers: Orphanet 227535, MedGen C0346153, MONDO:0016419, OMIM 114480. Disease mechanism: loss of function.
Prostate cancer. Also called: Malignant tumor of prostate. Identifiers: Orphanet 1331, MedGen C0376358, MONDO:0008315, HP:0012125.
Hereditary breast ovarian cancer syndrome. Also called: Hereditary breast and ovarian cancer syndrome; Breast and ovarian cancer; Hereditary breast and ovarian cancer syndrome (HBOC); BRCA1- and BRCA2-Associated Hereditary Breast and Ovarian Cancer; Hereditary breast and/or ovarian cancer syndrome; Hereditary breast and ovarian cancer. Identifiers: Orphanet 145, MedGen C0677776, MeSH D061325, MONDO:0003582. Disease mechanism: loss of function.

Allele frequency attached by ClinVar (database versions not stated): ExAC 0.00001.
gnomAD v4.1: 2 of 1,613,872 alleles (0.00012%); highest among the groups gnomAD compares: Admixed American, 0.0033%; no homozygotes.

Submissions 1 to 9 of 16:

Evidence-based Network for the Interpretation of Germline Mutant Alleles (ENIGMA)
Classification: Pathogenic for Breast-ovarian cancer, familial, susceptibility to, 2. Last evaluated: 2016-09-08. Review status: reviewed by expert panel. Criteria: ENIGMA BRCA1/2 Classification Criteria (2015). Collection method: curation. Allele origin: germline.
Comment: Variant allele predicted to encode a truncated non-functional protein.

PreventionGenetics, part of Exact Sciences
Classification: Pathogenic for BRCA2-related condition. Last evaluated: 2026-07-01. Review status: criteria provided, single submitter. Criteria: ACMG Guidelines, 2015. Collection method: clinical testing. Allele origin: germline. Not counted in ClinVar's aggregate classification.
Comment: The BRCA2 c.2224C>T variant is predicted to result in premature protein termination (p.Gln742*). This variant, also described as c.2452C>T, has been reported in individuals with breast and/or ovarian cancer (Weitzel et al. 2005. PubMed ID: 16030099; Fernández-Lopez et al. 2019. PubMed ID: 30630528; Villarreal-Garza et al. 2021. PubMed ID: 35875314). This variant is reported in 0.0029% of alleles in individuals of Latino descent in gnomAD and is classified as pathogenic by an expert panel in ClinVar (Variation ID: 51257). Nonsense variants in BRCA2 are expected to be pathogenic. This variant is interpreted as pathogenic.

Labcorp Genetics (formerly Invitae), Labcorp
Classification: Pathogenic for Hereditary breast ovarian cancer syndrome. Last evaluated: 2026-01-13. Review status: criteria provided, single submitter. Criteria: Invitae Variant Classification Sherloc (09022015). Collection method: clinical testing. Allele origin: germline. Not counted in ClinVar's aggregate classification.
Comment: This sequence change creates a premature translational stop signal (p.Gln742*) in the BRCA2 gene. It is expected to result in an absent or disrupted protein product. Loss-of-function variants in BRCA2 are known to be pathogenic (PMID: 20104584). This variant is not present in population databases (gnomAD no frequency). This premature translational stop signal has been observed in individual(s) with a personal and/or family history of breast and/or ovarian cancer (PMID: 16030099, 18284688, 25628955, 26543556, 26681312). ClinVar contains an entry for this variant (Variation ID: 51257). For these reasons, this variant has been classified as Pathogenic.

Ambry Genetics
Classification: Pathogenic for Hereditary cancer-predisposing syndrome. Last evaluated: 2025-05-21. Review status: criteria provided, single submitter. Criteria: Ambry Variant Classification Scheme 2023. Collection method: clinical testing. Allele origin: germline. Not counted in ClinVar's aggregate classification.
Comment: The c.2224C>T (p.Q742*) alteration, located in exon 11 (coding exon 10) of the BRCA2 gene, consists of a C to T substitution at nucleotide position 2224. This changes the amino acid from a glutamine (Q) to a stop codon at amino acid position 742. This alteration is expected to result in loss of function by premature protein truncation or nonsense-mediated mRNA decay. Based on data from gnomAD, the T allele has an overall frequency of <0.001% (1/251260) total alleles studied. The highest observed frequency was 0.003% (1/34534) of Latino alleles. This variant has been observed in multiple Mexican probands with personal and/or family histories of breast and/or ovarian cancer (Weitzel, 2005; Lee, 2008; Villarreal-Garza, 2015; Dean, 2015; Nahleh, 2015; Cruz-Correa, 2017; Fern&aacute;ndez-Lopez, 2019). This variant was also identified in a large, worldwide study of BRCA1/2 mutation positive families (Rebbeck, 2018). Of note, this variant is also designated as 2452C>T in published literature. Based on the available evidence, this alteration is classified as pathogenic.

GeneDx
Classification: Pathogenic. Last evaluated: 2024-03-28. Review status: criteria provided, single submitter. Criteria: GeneDx Variant Classification Process June 2021. Collection method: clinical testing. Allele origin: germline. Affected: yes. Not counted in ClinVar's aggregate classification.
Comment: Nonsense variant predicted to result in protein truncation or nonsense mediated decay in a gene for which loss of function is a known mechanism of disease; Not observed at significant frequency in large population cohorts (gnomAD); Truncating variants in this gene are considered pathogenic by a well-established clinical consortium and/or database; Also known as 2452C>T; This variant is associated with the following publications: (PMID: 28127413, 18284688, 30630528, 34413315, 25525159, 16030099, 26295337, 25716084, 25628955, 27221827, 29446198, 26543556, 29922827, 25371446, 35875314, 31853058, 33293522)

All of Us Research Program, National Institutes of Health
Classification: Pathogenic for Breast-ovarian cancer, familial, susceptibility to, 2. Last evaluated: 2023-07-19. Review status: criteria provided, single submitter. Criteria: ACMG Guidelines, 2015. Collection method: clinical testing. Allele origin: germline. Inheritance: Autosomal dominant inheritance. Observed: 3 variant alleles, 3 heterozygotes. Not counted in ClinVar's aggregate classification.
Comment: This variant changes 1 nucleotide in exon 11 of the BRCA2 gene, creating a premature translation stop signal. This variant is expected to result in an absent or non-functional protein product. This variant has been reported in at least five individuals affected with breast cancer (PMID: 18284688, 25628955, 25716084, 26543556, 26681312, 35875314) and in four suspected hereditary breast and ovarian cancer families (PMID: 16030099, 29446198). This variant has been identified in 1/251260 chromosomes in the general population by the Genome Aggregation Database (gnomAD). Loss of BRCA2 function is a known mechanism of disease. Based on the available evidence, this variant is classified as Pathogenic.

This study involves interpretation of variants in research participants for the purpose of population health screening. Participant phenotype was not available at the time of variant classification. Additional details can be found in publication PMID: 35346344, PMCID: PMC8962531

Baylor Genetics
Classification: Pathogenic for Familial cancer of breast. Last evaluated: 2023-02-19. Review status: criteria provided, single submitter. Criteria: ACMG Guidelines, 2015. Collection method: clinical testing. Allele origin: unknown. Not counted in ClinVar's aggregate classification.

Color Diagnostics, LLC DBA Color Health
Classification: Pathogenic for Hereditary cancer-predisposing syndrome. Last evaluated: 2023-02-17. Review status: criteria provided, single submitter. Criteria: ACMG Guidelines, 2015. Collection method: clinical testing. Allele origin: germline. Not counted in ClinVar's aggregate classification.
Comment: This variant changes 1 nucleotide in exon 11 of the BRCA2 gene, creating a premature translation stop signal. This variant is expected to result in an absent or non-functional protein product. This variant has been reported in at least five individuals affected with breast cancer (PMID: 18284688, 25628955, 25716084, 26543556, 26681312, 35875314) and in four suspected hereditary breast and ovarian cancer families (PMID: 16030099, 29446198). This variant has been identified in 1/251260 chromosomes in the general population by the Genome Aggregation Database (gnomAD). Loss of BRCA2 function is a known mechanism of disease. Based on the available evidence, this variant is classified as Pathogenic.

Fulgent Genetics
Classification: Pathogenic for Familial cancer of breast; Medulloblastoma; Familial prostate cancer; Wilms tumor 1; Fanconi anemia complementation group D1; Breast-ovarian cancer, familial, susceptibility to, 2; Glioma susceptibility 3; Pancreatic cancer, susceptibility to, 2. Last evaluated: 2022-04-10. Review status: criteria provided, single submitter. Criteria: ACMG Guidelines, 2015. Collection method: clinical testing. Allele origin: unknown. Not counted in ClinVar's aggregate classification.

NM_000059.4(BRCA2):c.2224C>T (p.Gln742Ter)

Gene: BRCA2 (BRCA2 DNA repair associated; plus strand). Cytogenetic location: 13q13.1.
Variant type: single nucleotide variant.
Coding change: c.2224C>T on transcript NM_000059.4 (MANE Select); coding-DNA position 2224, C replaced by T.
Protein change: p.Gln742Ter; replaces glutamine 742 with a stop codon.
Molecular consequence: nonsense.
Genome position (GRCh38, 1-based): chr13:32,336,579, C>T. VCF-style: chr13-32336579-C-T. GRCh37 (hg19) VCF-style: chr13-32910716-C-T.
Other names: p.Q742*:CAA>TAA; 2452C>T; short protein forms Q742*.
Identifiers: ClinVar variation 51257 (VCV000051257.36), dbSNP rs80358494, ClinGen allele CA014670.